The following is an entry in ClinVar:

NM_001122630.2(CDKN1C):c.510_527del (p.168_169AP[5])

Gene: CDKN1C (cyclin dependent kinase inhibitor 1C; minus strand). Cytogenetic location: 11p15.4.
Variant type: Deletion.
Coding change: c.510_527del on transcript NM_001122630.2 (MANE Select); coding-DNA positions 510 to 527, 18 bases deleted (CCCGGCCCCGGCTCCGGC).
Protein change: p.168_169AP[5].
Molecular consequence: inframe deletion. On other transcripts: intron variant (1).
Genome position (GRCh38, 1-based): chr11:2,884,930-2,884,947, GCCGGAGCCGGGGCCGGG deleted on the plus strand (CCCGGCCCCGGCTCCGGC on the coding strand, the reverse complement: CDKN1C is on the minus strand); deleting any 18 consecutive bases within chr11:2,884,930-2,884,952 gives the same sequence; the c. name uses the placement nearest the transcript's 3' end. VCF-style (leftmost placement, unchanged base first): chr11-2884929-AGCCGGAGCCGGGGCCGGG-A. GRCh37 (hg19) VCF-style: chr11-2906159-AGCCGGAGCCGGGGCCGGG-A.
Other names: c.543_560del, p.179_180AP[5] (LRG_533t1, NM_000076.2, NM_001362474.2); c.510_527del, p.168_169AP[5] (NM_001122631.2); c.255+255_255+272del (NM_001362475.2); c.543_560delCCCGGCCCCGGCTCCGGC (NM_000076.2); c.543_560del18 (NM_000076.2).
Identifiers: ClinVar variation 412850 (VCV000412850.32), dbSNP rs1064792991, ClinGen allele CA16613345.

ClinVar aggregate classification (germline): Conflicting classifications of pathogenicity. Review status: criteria provided, conflicting classifications (1 of 4 stars). 3 submissions from 3 submitters: Uncertain significance (1); Likely benign (2). Last evaluated 2025-09-02.

Conditions:
CDKN1C-related disorder. Also called: CDKN1C-related condition.
Beckwith-Wiedemann syndrome (BWS). Also called: EMG SYNDROME; Exomphalos macroglossia gigantism syndrome. Identifiers: Orphanet 116, MedGen C0004903, MONDO:0007534, OMIM 130650.

Submissions (3):

Labcorp Genetics (formerly Invitae), Labcorp
Classification: Likely benign for Beckwith-Wiedemann syndrome. Last evaluated: 2025-09-02. Review status: criteria provided, single submitter. Criteria: Invitae Variant Classification Sherloc (09022015). Collection method: clinical testing. Allele origin: germline.

PreventionGenetics, part of Exact Sciences
Classification: Uncertain significance for CDKN1C-related condition. Last evaluated: 2025-07-24. Review status: criteria provided, single submitter. Criteria: ACMG Guidelines, 2015. Collection method: clinical testing. Allele origin: germline.
Comment: The CDKN1C c.543_560del18 variant is predicted to result in an in-frame deletion (p.Ala189_Pro194del). To our knowledge, this variant has not been reported in the literature or in a large population database, indicating this variant is rare. At this time, the clinical significance of this variant is uncertain due to the absence of conclusive functional and genetic evidence.

CeGaT Center for Human Genetics Tuebingen
Classification: Likely benign. Last evaluated: 2024-04-01. Review status: criteria provided, single submitter. Criteria: CeGaT Center For Human Genetics Tuebingen Variant Classification Criteria Version 2. Collection method: clinical testing. Allele origin: germline. Affected: yes. Observed: 1 variant allele.
Comment: CDKN1C: BP3